The following is an entry in ClinVar:

NM_020778.5(ALPK3):c.4406del (p.Ile1469fs)

Gene: ALPK3 (alpha kinase 3; plus strand). Cytogenetic location: 15q25.3.
Variant type: Deletion.
Coding change: c.4406del on transcript NM_020778.5 (MANE Select); coding-DNA position 4406, one base deleted (T; older notation c.4406delT).
Protein change: p.Ile1469fs; shifts the reading frame from isoleucine 1469.
Molecular consequence: frameshift variant.
Genome position (GRCh38, 1-based): chr15:84,862,911, T deleted. VCF-style (leftmost placement, unchanged base first): chr15-84862910-AT-A. GRCh37 (hg19) VCF-style: chr15-85406141-AT-A.
Other names: short protein forms I1469fs.
Identifiers: ClinVar variation 3691133 (VCV003691133.2).

ClinVar aggregate classification (germline): Pathogenic (1 of 4 stars; one submission).

Submission:

Labcorp Genetics (formerly Invitae), Labcorp
Classification: Pathogenic. Last evaluated: 2024-07-16. Review status: criteria provided, single submitter. Criteria: Invitae Variant Classification Sherloc (09022015). Collection method: clinical testing. Allele origin: germline.
Comment: This sequence change creates a premature translational stop signal (p.Ile1671Thrfs*9) in the ALPK3 gene. It is expected to result in an absent or disrupted protein product. Loss-of-function variants in ALPK3 are known to be pathogenic (PMID: 21441111, 26846950, 27106955, 34263907). This variant is not present in population databases (gnomAD no frequency). This variant has not been reported in the literature in individuals affected with ALPK3-related conditions. For these reasons, this variant has been classified as Pathogenic.

Literature cited by the submitters: PubMed 21441111; PubMed 26846950; PubMed 27106955; PubMed 34263907.